The following is an entry in ClinVar:

ClinVar aggregate classification (germline): Likely pathogenic (1 of 4 stars; one submission).

Conditions:
Multiple sulfatase deficiency (MSD). Also called: Multiple Sulfatase Deficiency Disease; Sulfatidosis, Juvenile, Austin Type; Mucosulfatidosis. Identifiers: Orphanet 585, MedGen C0268263, MONDO:0010088, OMIM 272200.

Submission:

Labcorp Genetics (formerly Invitae), Labcorp
Classification: Likely pathogenic for Multiple sulfatase deficiency. Last evaluated: 2019-04-08. Review status: criteria provided, single submitter. Criteria: Invitae Variant Classification Sherloc (09022015). Collection method: clinical testing. Allele origin: germline.
Comment: This variant is an in-frame deletion of the genomic region encompassing exon 2 of the SUMF1 gene. It preserves the integrity of the reading frame. This variant has not been reported in the literature in individuals with SUMF1-related conditions. This variant disrupts the p.Glu113 amino acid residue in SUMF1. Other variant(s) that disrupt this residue have been observed in individuals with SUMF1-related conditions (PMID: 28566233), suggesting that it is a clinically significant residue. As a result, variants that disrupt this residue are likely to be causative of disease. In summary, the currently available evidence indicates that the variant is pathogenic, but additional data are needed to prove that conclusively. Therefore, this variant has been classified as Likely Pathogenic.

Literature cited by the submitters: PubMed 28566233.

NC_000003.12:g.(?_4452866)_(4453059_?)del

Gene: SUMF1 (sulfatase modifying factor 1; minus strand). Cytogenetic location: 3p26.1.
Variant type: Deletion.
Identifiers: ClinVar variation 832620 (VCV000832620.1).